The following is an entry in ClinVar:

ClinVar aggregate classification (germline): Uncertain significance (1 of 4 stars; one submission).

Submission:

Labcorp Genetics (formerly Invitae), Labcorp
Classification: Uncertain significance. Last evaluated: 2022-02-05. Review status: criteria provided, single submitter. Criteria: Invitae Variant Classification Sherloc (09022015). Collection method: clinical testing. Allele origin: germline.
Comment: This sequence change creates a premature translational stop signal (p.Trp238*) in the KCNK4 gene. It is expected to result in an absent or disrupted protein product. However, the current clinical and genetic evidence is not sufficient to establish whether loss-of-function variants in KCNK4 cause disease. This variant has not been reported in the literature in individuals affected with KCNK4-related conditions. This variant is not present in population databases (gnomAD no frequency). In summary, the available evidence is currently insufficient to determine the role of this variant in disease. Therefore, it has been classified as a Variant of Uncertain Significance.

NM_033310.3(KCNK4):c.713G>A (p.Trp238Ter)

Genes: KCNK4 (potassium two pore domain channel subfamily K member 4; plus strand), KCNK4-CATSPERZ (KCNK4-CATSPERZ readthrough (NMD candidate); plus strand). Cytogenetic location: 11q13.1.
Variant type: single nucleotide variant.
Coding change: c.713G>A on transcript NM_033310.3 (MANE Select); coding-DNA position 713, G replaced by A.
Protein change: p.Trp238Ter; replaces tryptophan 238 with a stop codon.
Molecular consequence: nonsense. On other transcripts: non-coding transcript variant (3).
Genome position (GRCh38, 1-based): chr11:64,298,161, G>A. VCF-style: chr11-64298161-G-A. GRCh37 (hg19) VCF-style: chr11-64065633-G-A.
Other names: c.713G>A, p.Trp238Ter (NM_001317090.2, NM_033311.1); short protein forms W238*.
Identifiers: ClinVar variation 2093597 (VCV002093597.4), dbSNP rs2495694495, ClinGen allele CA381066162.